The following is an entry in ClinVar:

NM_001458.5(FLNC):c.352+10G>A

Gene: FLNC (filamin C; plus strand). Cytogenetic location: 7q32.1.
Variant type: single nucleotide variant.
Coding change: c.352+10G>A on transcript NM_001458.5 (MANE Select); 10 bases into the intron after coding-DNA position 352, G replaced by A.
Molecular consequence: intron variant.
Genome position (GRCh38, 1-based): chr7:128,830,999, G>A. VCF-style: chr7-128830999-G-A. GRCh37 (hg19) VCF-style: chr7-128471053-G-A.
Other names: p.?; c.352+10G>A (NM_001127487.2).
Identifiers: ClinVar variation 387564 (VCV000387564.22), dbSNP rs79489893, ClinGen allele CA4474004.

ClinVar aggregate classification (germline): Benign/Likely benign. Review status: criteria provided, multiple submitters, no conflicts (2 of 4 stars). 8 submissions from 8 submitters: Benign (4); Likely benign (3). 1 of the submissions does not count toward it. Last evaluated 2026-02-03.

Conditions:
Myofibrillar myopathy 5. Also called: Filaminopathy (type); FILAMINOPATHY, AUTOSOMAL DOMINANT. Identifiers: Orphanet 171445, MedGen C1836050, MONDO:0012289, OMIM 609524.
Hypertrophic cardiomyopathy 26. Also called: Cardiomyopathy, familial hypertrophic, 26. Identifiers: Orphanet 75249, MedGen C4310749, MONDO:0014883, OMIM 617047.
Distal myopathy with posterior leg and anterior hand involvement. Also called: WILLIAMS DISTAL MYOPATHY. Identifiers: Orphanet 63273, MedGen C3279722, MONDO:0013550, OMIM 614065.
FLNC-related disorder. Also called: FLNC-related condition; FLNC-related disorders.

Allele frequency attached by ClinVar (database versions not stated): gnomAD exomes 0.00058 and 0.00136; ExAC 0.00156; 1000 Genomes Project 30x 0.00500; 1000 Genomes Project 0.00539; gnomAD 0.00587 and 0.00639; ESP Exome Variant Server 0.00604; TOPMed 0.00639.
gnomAD v4.1: 1,763 of 1,602,824 alleles (0.11%); highest among the groups gnomAD compares: African/African-American, 2.1%; 21 homozygotes.

Submissions (8):

Labcorp Genetics (formerly Invitae), Labcorp
Classification: Benign for Distal myopathy with posterior leg and anterior hand involvement; Myofibrillar myopathy 5; Hypertrophic cardiomyopathy 26. Last evaluated: 2026-02-03. Review status: criteria provided, single submitter. Criteria: Invitae Variant Classification Sherloc (09022015). Collection method: clinical testing. Allele origin: germline.

Molecular Diagnostic Laboratory for Inherited Cardiovascular Disease, Montreal Heart Institute
Classification: Likely benign. Last evaluated: 2025-04-09. Review status: criteria provided, single submitter. Criteria: ACMG Guidelines, 2015. Collection method: clinical testing. Allele origin: germline. Affected: no.
Comment: BS1;BP6

Blueprint Genetics
Classification: Likely benign. Last evaluated: 2024-11-26. Review status: criteria provided, single submitter. Criteria: ACMG Guidelines, 2015. Collection method: clinical testing. Allele origin: germline.

ARUP Laboratories, Molecular Genetics and Genomics, ARUP Laboratories
Classification: Benign. Last evaluated: 2024-10-17. Review status: criteria provided, single submitter. Criteria: ARUP Molecular Germline Variant Investigation Process 2024. Collection method: clinical testing. Allele origin: germline.

Mayo Clinic Laboratories, Mayo Clinic
Classification: Benign. Last evaluated: 2024-03-01. Review status: criteria provided, single submitter. Criteria: ACMG Guidelines, 2015. Collection method: clinical testing. Allele origin: germline. Observed: 9 variant alleles.
Comment: BS1, BS2, BP4, BP7

Women's Health and Genetics/Laboratory Corporation of America, LabCorp
Classification: Benign. Last evaluated: 2023-08-19. Review status: criteria provided, single submitter. Criteria: LabCorp Variant Classification Summary - May 2015. Collection method: clinical testing. Allele origin: germline.

GeneDx
Classification: Likely benign. Last evaluated: 2017-05-02. Review status: criteria provided, single submitter. Criteria: GeneDx Variant Classification (06012015). Collection method: clinical testing. Allele origin: germline. Affected: yes.
Comment: This variant is considered likely benign or benign based on one or more of the following criteria: it is a conservative change, it occurs at a poorly conserved position in the protein, it is predicted to be benign by multiple in silico algorithms, and/or has population frequency not consistent with disease.

PreventionGenetics, part of Exact Sciences
Classification: Benign for FLNC-related condition. Last evaluated: 2019-09-17. Review status: no assertion criteria provided. Collection method: clinical testing. Allele origin: germline. Not counted in ClinVar's aggregate classification.
Comment: This variant is classified as benign based on ACMG/AMP sequence variant interpretation guidelines (Richards et al. 2015 PMID: 25741868, with internal and published modifications).